The following is an entry in ClinVar:

ClinVar aggregate classification (germline): Likely benign (0 of 4 stars; one submission).

Conditions:
PCNT-related disorder. Also called: PCNT-related condition.

Submission:

PreventionGenetics, part of Exact Sciences
Classification: Likely benign for PCNT-related condition. Last evaluated: 2024-08-29. Review status: no assertion criteria provided. Collection method: clinical testing. Allele origin: germline.
Comment: This variant is classified as likely benign based on ACMG/AMP sequence variant interpretation guidelines (Richards et al. 2015 PMID: 25741868, with internal and published modifications).

NM_006031.6(PCNT):c.8094T>C (p.Arg2698=)

Gene: PCNT (pericentrin; plus strand). Cytogenetic location: 21q22.3.
Variant type: single nucleotide variant.
Coding change: c.8094T>C on transcript NM_006031.6 (MANE Select); coding-DNA position 8094, T replaced by C.
Protein change: p.Arg2698=; no amino-acid change (arginine 2698 retained).
Molecular consequence: synonymous variant.
Genome position (GRCh38, 1-based): chr21:46,431,558, T>C. VCF-style: chr21-46431558-T-C. GRCh37 (hg19) VCF-style: chr21-47851472-T-C.
Other names: c.7740T>C, p.Arg2580= (NM_001315529.2).
Identifiers: ClinVar variation 3346093 (VCV003346093.1).